The following is an entry in ClinVar:

ClinVar aggregate classification (germline): Uncertain significance (1 of 4 stars; one submission).

Conditions:
Early-infantile DEE. Also called: Early infantile epileptic encephalopathy with suppression bursts; Early infantile epileptic encephalopathy; Ohtahara syndrome. Identifiers: Orphanet 1934, MedGen C0393706, MONDO:0800491.

Submission:

Labcorp Genetics (formerly Invitae), Labcorp
Classification: Uncertain significance for Early-infantile DEE. Last evaluated: 2023-11-24. Review status: criteria provided, single submitter. Criteria: Invitae Variant Classification Sherloc (09022015). Collection method: clinical testing. Allele origin: germline.
Comment: This sequence change replaces histidine, which is basic and polar, with glutamine, which is neutral and polar, at codon 553 of the SCN1A protein (p.His553Gln). This variant is not present in population databases (gnomAD no frequency). This variant has not been reported in the literature in individuals affected with SCN1A-related conditions. Advanced modeling of protein sequence and biophysical properties (such as structural, functional, and spatial information, amino acid conservation, physicochemical variation, residue mobility, and thermodynamic stability) performed at Invitae indicates that this missense variant is not expected to disrupt SCN1A protein function with a negative predictive value of 95%. In summary, the available evidence is currently insufficient to determine the role of this variant in disease. Therefore, it has been classified as a Variant of Uncertain Significance.

NM_001165963.4(SCN1A):c.1659C>A (p.His553Gln)

Gene: SCN1A (sodium voltage-gated channel alpha subunit 1; minus strand). Cytogenetic location: 2q24.3.
Variant type: single nucleotide variant.
Coding change: c.1659C>A on transcript NM_001165963.4 (MANE Select); coding-DNA position 1659, C replaced by A.
Protein change: p.His553Gln; replaces histidine 553 with glutamine.
Molecular consequence: missense variant. On other transcripts: 5 prime UTR variant (1), non-coding transcript variant (1).
Genome position (GRCh38, 1-based): chr2:166,045,046, G>T on the plus strand (C>A on the coding strand, the complement: SCN1A is on the minus strand). VCF-style: chr2-166045046-G-T. GRCh37 (hg19) VCF-style: chr2-166901556-G-T.
Other names: c.1659C>A, p.His553Gln (NM_001165964.3, NM_001202435.3, NM_001353948.2 and 7 more transcripts); c.1656C>A, p.His552Gln (NM_001353954.2, NM_001353955.2, NM_001353960.2); c.-767C>A (NM_001353961.2); short protein forms H552Q, H553Q.
Identifiers: ClinVar variation 2715650 (VCV002715650.3), dbSNP rs2468164562, ClinGen allele CA349068234.